The following is an entry in ClinVar:

ClinVar aggregate classification (germline): not provided (0 of 4 stars; one submission).

Conditions:
Gestational diabetes mellitus uncontrolled. Identifiers: MedGen C3532257.

Submission:

Institute of Molecular and Cell Biology, University of Tartu
No classification provided. Condition: Gestational diabetes mellitus uncontrolled. Review status: no classification provided. Collection method: case-control. Allele origin: unknown. Affected: yes. Study: Kasak2014.
Comment: The study aimed to determine the contribution of copy number variants in the genetic etiology of normal and complicated pregnancies. The samples represented (i) maternal blood DNA drawn from healthy pregnant women during 1st or 2nd trimester and (ii) maternal and paternal blood DNA drawn at term pregnancy cases representing normal and complicated gestations (severe preeclampsia, PE; gestational diabetes, GD; small-for-gestational age newborn, SGA; large-for-gestational age newborn, LGA). We performed CNV calling based on genome-wide genotyping dataset (Illumina HumanOmniExpress-24-v1 BeadChip) by applying three algorithms, QuantiSNP, GADA (Genome Alteration Detection Algorithm) and CNstream in parallel. The acquired CNV calls were merged with HD-CNV (Hotspot Detector for Copy Number Variants) program and only the CNVs predicted by at least two programs, were considered in subsequent analysis.

Literature cited by the submitters: PubMed 25666259.

NM_001365693.1(MGAM):c.5275+317_6268+360del

Gene: MGAM (maltase-glucoamylase; plus strand). Cytogenetic location: 7q34.
Variant type: Deletion.
Coding change: c.5275+317_6268+360del on transcript NM_001365693.1 (MANE Select); 317 bases into the intron after coding-DNA position 5275 through 360 bases into the intron after coding-DNA position 6268, 8,442 bases deleted.
Molecular consequence: splice acceptor variant, splice donor variant. On other transcripts: intron variant (1).
Genome position (GRCh38, 1-based): chr7:142,074,490-142,082,931, 8,442 bases deleted. GRCh37 (hg19): chr7:141,774,290-141,782,731.
Other names: c.4618+9022_4619-11689del (NM_004668.3).
Identifiers: ClinVar variation 157075 (VCV000157075.2), ClinGen allele CA212200.